The following is an entry in ClinVar:

NM_007078.3(LDB3):c.519C>G (p.Ser173Arg)

Gene: LDB3 (LIM domain binding 3; plus strand). Cytogenetic location: 10q23.2.
Variant type: single nucleotide variant.
Coding change: c.519C>G on transcript NM_007078.3 (MANE Select); coding-DNA position 519, C replaced by G.
Protein change: p.Ser173Arg; replaces serine 173 with arginine.
Molecular consequence: missense variant. On other transcripts: intron variant (5).
Genome position (GRCh38, 1-based): chr10:86,681,633, C>G. VCF-style: chr10-86681633-C-G. GRCh37 (hg19) VCF-style: chr10-88441390-C-G.
Other names: c.519C>G, p.Ser173Arg (NM_001080115.2, NM_001171610.2, NM_001171611.2 and 3 more transcripts); c.321+1476C>G (NM_001368068.1, NM_001368066.1, NM_001080114.2 and 2 more transcripts); short protein forms S173R.
Identifiers: ClinVar variation 993663 (VCV000993663.8), dbSNP rs1845139039, ClinGen allele CA377454308.
Genomic context (GRCh38, chr10:86,681,633, plus strand): 5'-CTCACTCGCCGAGGCCTCTGACCCTGGCCCTCCGCGGGCCAGCCTGAGGGCCAAGACCAG[C>G]CCAGAGGGGGCCCGGGACCTACTCGGCCCAAAAGCCCTGCCGGGCTCGAGCCAGCCGAGG-3'
Protein context (NP_009009.1, residues 163-183): PPRASLRAKT[Ser173Arg]PEGARDLLGP

ClinVar aggregate classification (germline): Uncertain significance (1 of 4 stars; one submission).

Allele frequency attached by ClinVar (database versions not stated): TOPMed below 0.00001; gnomAD 0.00001.
gnomAD v4.1: 1 of 1,613,070 alleles (0.000062%); highest among the groups gnomAD compares: Non-Finnish European, 0.000085%; no homozygotes.

Submission:

ARUP Laboratories, Molecular Genetics and Genomics, ARUP Laboratories
Classification: Uncertain significance. Last evaluated: 2020-03-09. Review status: criteria provided, single submitter. Criteria: ARUP Molecular Germline Variant Investigation Process. Collection method: clinical testing. Allele origin: germline.
Comment: The LDB3 c.519C>G; p.Ser173Arg variant to our knowledge, is not reported in the medical literature or gene-specific databases. This variant is absent from general population databases (Exome Variant Server, Genome Aggregation Database), indicating it is not a common polymorphism. The serine at codon 173 is weakly conserved, but computational analyses (SIFT: damaging, PolyPhen-2: benign) predict conflicting effects of this variant on protein structure/function. Due to limited information, the clinical significance of the p.Ser173Arg variant is uncertain at this time.